The following is an entry in ClinVar:

ClinVar aggregate classification (germline): Uncertain significance (1 of 4 stars; one submission).

Conditions:
Epileptic encephalopathy. Identifiers: MedGen C0543888, HP:0200134.

Submission:

Labcorp Genetics (formerly Invitae), Labcorp
Classification: Uncertain significance for Epileptic encephalopathy. Last evaluated: 2025-01-23. Review status: criteria provided, single submitter. Criteria: Invitae Variant Classification Sherloc (09022015). Collection method: clinical testing. Allele origin: germline.
Comment: This sequence change replaces alanine, which is neutral and non-polar, with serine, which is neutral and polar, at codon 641 of the FASN protein (p.Ala641Ser). The frequency data for this variant in the population databases is considered unreliable, as metrics indicate poor data quality at this position in the gnomAD database. This variant has not been reported in the literature in individuals affected with FASN-related conditions. An algorithm developed to predict the effect of missense changes on protein structure and function (PolyPhen-2) suggests that this variant is likely to be disruptive. In summary, the available evidence is currently insufficient to determine the role of this variant in disease. Therefore, it has been classified as a Variant of Uncertain Significance.

NM_004104.5(FASN):c.1921G>T (p.Ala641Ser)

Gene: FASN (fatty acid synthase; minus strand). Cytogenetic location: 17q25.3.
Variant type: single nucleotide variant.
Coding change: c.1921G>T on transcript NM_004104.5 (MANE Select); coding-DNA position 1921, G replaced by T.
Protein change: p.Ala641Ser; replaces alanine 641 with serine.
Molecular consequence: missense variant.
Genome position (GRCh38, 1-based): chr17:82,089,676, C>A on the plus strand (G>T on the coding strand, the complement: FASN is on the minus strand). VCF-style: chr17-82089676-C-A. GRCh37 (hg19) VCF-style: chr17-80047552-C-A.
Other names: short protein forms A641S.
Identifiers: ClinVar variation 3628744 (VCV003628744.2).